The following is an entry in ClinVar:

ClinVar aggregate classification (germline): Pathogenic (1 of 4 stars; one submission).

Conditions:
Bloom syndrome (BLM). Also called: Bloom-Torre-Machacek syndrome. Identifiers: Orphanet 125, MedGen C0005859, MONDO:0008876, OMIM 210900.

Allele frequency attached by ClinVar (database versions not stated): TOPMed below 0.00001.

Submission:

Labcorp Genetics (formerly Invitae), Labcorp
Classification: Pathogenic for Bloom syndrome. Last evaluated: 2021-04-18. Review status: criteria provided, single submitter. Criteria: Invitae Variant Classification Sherloc (09022015). Collection method: clinical testing. Allele origin: germline.
Comment: For these reasons, this variant has been classified as Pathogenic. This sequence change creates a premature translational stop signal (p.Thr994Profs*5) in the BLM gene. It is expected to result in an absent or disrupted protein product. Loss-of-function variants in BLM are known to be pathogenic (PMID: 17407155). This variant is not present in population databases (ExAC no frequency). This variant has not been reported in the literature in individuals with BLM-related conditions.

Literature cited by the submitters: PubMed 17407155.

NM_000057.4(BLM):c.2980del (p.Thr994fs)

Gene: BLM (BLM RecQ like helicase; plus strand). Cytogenetic location: 15q26.1.
Variant type: Deletion.
Coding change: c.2980del on transcript NM_000057.4 (MANE Select); coding-DNA position 2980, one base deleted (A; older notation c.2980delA).
Protein change: p.Thr994fs; shifts the reading frame from threonine 994.
Molecular consequence: frameshift variant.
Genome position (GRCh38, 1-based): chr15:90,790,805, A deleted. VCF-style (leftmost placement, unchanged base first): chr15-90790804-TA-T. GRCh37 (hg19) VCF-style: chr15-91334034-TA-T.
Other names: c.2980del, p.Thr994fs (NM_001287246.2, NM_001287247.2); c.1855del, p.Thr619fs (NM_001287248.2); short protein forms T619fs, T994fs.
Identifiers: ClinVar variation 1373384 (VCV001373384.6), dbSNP rs1164844135, ClinGen allele CA717030206.